The following is an entry in ClinVar:

NM_201384.3(PLEC):c.3081+10G>A

Gene: PLEC (plectin; minus strand). Cytogenetic location: 8q24.3.
Variant type: single nucleotide variant.
Coding change: c.3081+10G>A on transcript NM_201384.3 (MANE Select); 10 bases into the intron after coding-DNA position 3081, G replaced by A.
Molecular consequence: intron variant.
Genome position (GRCh38, 1-based): chr8:143,929,404, C>T on the plus strand (G>A on the coding strand, the complement: PLEC is on the minus strand). VCF-style: chr8-143929404-C-T. GRCh37 (hg19) VCF-style: chr8-145003572-C-T.
Other names: c.2985+10G>A (NM_201381.3); c.3081+10G>A (NM_201382.4); c.3093+10G>A (NM_201383.3); c.3162+10G>A (NM_000445.5, NM_000445.4); c.3039+10G>A (NM_201378.4); c.3015+10G>A (NM_201379.3); c.3492+10G>A (NM_201380.4).
Identifiers: ClinVar variation 1088414 (VCV001088414.9), dbSNP rs782698799, ClinGen allele CA4927236.

ClinVar aggregate classification (germline): Likely benign. Review status: criteria provided, multiple submitters, no conflicts (2 of 4 stars). 3 submissions from 3 submitters: Likely benign (3). Last evaluated 2026-07-05.

Conditions:
PLEC-related disorder. Also called: PLEC-related disorders; PLEC-related condition.
Epidermolysis bullosa simplex 5C, with pyloric atresia (EBS5C). Also called: PLEC-Related Epidermolysis Bullosa with Pyloric Atresia; Epidermolysis bullosa simplex with pyloric atresia; PLEC1-Related Epidermolysis Bullosa with Pyloric Atresia. Identifiers: Orphanet 158684, MedGen C2677349, MONDO:0012807, OMIM 612138.
Epidermolysis bullosa simplex with nail dystrophy (EBS5D). Identifiers: MedGen C4225309, MONDO:0014661, OMIM 616487.
Autosomal recessive limb-girdle muscular dystrophy type 2Q (LGMDR17). Also called: MUSCULAR DYSTROPHY, LIMB-GIRDLE, AUTOSOMAL RECESSIVE 17. Identifiers: Orphanet 254361, MedGen C3150989, MONDO:0013390, OMIM 613723.
Epidermolysis bullosa simplex 5B, with muscular dystrophy (EBS5B). Also called: EPIDERMOLYSIS BULLOSA SIMPLEX AND LIMB-GIRDLE MUSCULAR DYSTROPHY; Epidermolysis bullosa simplex with muscular dystrophy. Identifiers: Orphanet 257, MedGen C2931072, MONDO:0009181, OMIM 226670.
Epidermolysis bullosa simplex, Ogna type (EBS5A). Also called: Pidermolysis bullosa simplex 5A, Ogna type; EPIDERMOLYSIS BULLOSA SIMPLEX 5A, OGNA TYPE. Identifiers: Orphanet 79401, MedGen C0432317, MONDO:0007555, OMIM 131950.

Allele frequency attached by ClinVar (database versions not stated): gnomAD 0.00002; gnomAD exomes 0.00004 and 0.00008; TOPMed 0.00004; ExAC 0.00011.
gnomAD v4.1: 55 of 1,559,234 alleles (0.0035%); highest among the groups gnomAD compares: South Asian, 0.033%; no homozygotes.

Submissions (3):

PreventionGenetics, part of Exact Sciences
Classification: Likely benign for PLEC-related condition. Last evaluated: 2026-07-05. Review status: criteria provided, single submitter. Criteria: ACMG Guidelines, 2015. Collection method: clinical testing. Allele origin: germline.
Comment: This variant is classified as likely benign based on ACMG/AMP sequence variant interpretation guidelines (Richards et al. 2015 PMID: 25741868, with internal and published modifications).

Labcorp Genetics (formerly Invitae), Labcorp
Classification: Likely benign for Autosomal recessive limb-girdle muscular dystrophy type 2Q; Epidermolysis bullosa simplex, Ogna type; Epidermolysis bullosa simplex with nail dystrophy; Epidermolysis bullosa simplex 5C, with pyloric atresia; Epidermolysis bullosa simplex 5B, with muscular dystrophy. Last evaluated: 2025-01-15. Review status: criteria provided, single submitter. Criteria: Invitae Variant Classification Sherloc (09022015). Collection method: clinical testing. Allele origin: germline.

Blueprint Genetics
Classification: Likely benign. Last evaluated: 2023-04-12. Review status: criteria provided, single submitter. Criteria: ACMG Guidelines, 2015. Collection method: clinical testing. Allele origin: germline.